The following is an entry in ClinVar:

ClinVar aggregate classification (germline): Uncertain significance. Review status: criteria provided, multiple submitters, no conflicts (2 of 4 stars). 2 submissions from 2 submitters: Uncertain significance (2). Last evaluated 2025-05-14.

Conditions:
Hereditary cancer-predisposing syndrome. Also called: Hereditary Cancer Syndrome; Hereditary neoplastic syndrome; Neoplastic Syndromes, Hereditary; Tumor predisposition. Identifiers: Orphanet 140162, MedGen C0027672, MeSH D009386, MONDO:0015356.
Parathyroid carcinoma (PRTC). Also called: CDC73-Related Parathyroid Carcinoma; Parathyroid gland carcinoma. Identifiers: Orphanet 143, MedGen C0687150, MONDO:0012004, OMIM 608266, HP:0006780.

Allele frequency attached by ClinVar (database versions not stated): gnomAD exomes below 0.00001.
gnomAD v4.1: 1 of 1,610,054 alleles (0.000062%); highest among the groups gnomAD compares: Non-Finnish European, 0.000085%; no homozygotes.

Submissions (2):

Labcorp Genetics (formerly Invitae), Labcorp
Classification: Uncertain significance for Parathyroid carcinoma. Last evaluated: 2025-05-14. Review status: criteria provided, single submitter. Criteria: Invitae Variant Classification Sherloc (09022015). Collection method: clinical testing. Allele origin: germline.
Comment: This sequence change replaces glutamine, which is neutral and polar, with arginine, which is basic and polar, at codon 437 of the CDC73 protein (p.Gln437Arg). This variant is not present in population databases (gnomAD no frequency). This variant has not been reported in the literature in individuals affected with CDC73-related conditions. ClinVar contains an entry for this variant (Variation ID: 1769645). Invitae Evidence Modeling of protein sequence and biophysical properties (such as structural, functional, and spatial information, amino acid conservation, physicochemical variation, residue mobility, and thermodynamic stability) indicates that this missense variant is not expected to disrupt CDC73 protein function with a negative predictive value of 80%. In summary, the available evidence is currently insufficient to determine the role of this variant in disease. Therefore, it has been classified as a Variant of Uncertain Significance.

Ambry Genetics
Classification: Uncertain significance for Hereditary cancer-predisposing syndrome. Last evaluated: 2022-03-12. Review status: criteria provided, single submitter. Criteria: Ambry Variant Classification Scheme 2023. Collection method: clinical testing. Allele origin: germline.
Comment: The p.Q437R variant (also known as c.1310A>G), located in coding exon 14 of the CDC73 gene, results from an A to G substitution at nucleotide position 1310. The glutamine at codon 437 is replaced by arginine, an amino acid with highly similar properties. This amino acid position is conserved. In addition, the in silico prediction for this alteration is inconclusive. Since supporting evidence is limited at this time, the clinical significance of this alteration remains unclear.

NM_024529.5(CDC73):c.1310A>G (p.Gln437Arg)

Gene: CDC73 (cell division cycle 73; plus strand). Cytogenetic location: 1q31.2.
Variant type: single nucleotide variant.
Coding change: c.1310A>G on transcript NM_024529.5 (MANE Select); coding-DNA position 1310, A replaced by G.
Protein change: p.Gln437Arg; replaces glutamine 437 with arginine.
Molecular consequence: missense variant.
Genome position (GRCh38, 1-based): chr1:193,233,148, A>G. VCF-style: chr1-193233148-A-G. GRCh37 (hg19) VCF-style: chr1-193202278-A-G.
Other names: short protein forms Q437R.
Identifiers: ClinVar variation 1769645 (VCV001769645.3), dbSNP rs2102058489, ClinGen allele CA344078061.
Genomic context (GRCh38, chr1:193,233,148, plus strand): 5'-CTGCAATTAGTGTTACAGTACCTTATAGAGTAGTAGACCAGCCCCTTAAACTTATGCCTC[A>G]AGACTGGTAAGATAGTCTCTATATATATATCTTTTCACAGGTGTTGAACCCAAGAGAATG-3'
Protein context (NP_078805.3, residues 427-447): VVDQPLKLMP[Gln437Arg]DWDRVVAVFV